The following is an entry in ClinVar:

ClinVar aggregate classification (germline): Likely benign (1 of 4 stars; one submission).

Conditions:
Sideroblastic anemia 2. Also called: Anemia, sideroblastic, 2, pyridoxine-refractory. Identifiers: Orphanet 260305, MedGen C4225425, MONDO:0008785, OMIM 205950.

Allele frequency attached by ClinVar (database versions not stated): TOPMed 0.00258; gnomAD 0.00262 and 0.00278; gnomAD exomes 0.00232; 1000 Genomes Project 0.00300; 1000 Genomes Project 30x 0.00312.

Submission:

Illumina Laboratory Services, Illumina
Classification: Likely benign for Sideroblastic anemia 2. Last evaluated: 2018-01-13. Review status: criteria provided, single submitter. Criteria: ICSL Variant Classification Criteria 13 December 2019. Collection method: clinical testing. Allele origin: germline.
Comment: This variant was observed in the ICSL laboratory as part of a predisposition screen in an ostensibly healthy population. It had not been previously curated by ICSL or reported in the Human Gene Mutation Database (HGMD: prior to June 1st, 2018), and was therefore a candidate for classification through an automated scoring system. Utilizing variant allele frequency, disease prevalence and penetrance estimates, and inheritance mode, an automated score was calculated to assess if this variant is too frequent to cause the disease. Based on the score and internal cut-off values, a variant classified as likely benign is not then subjected to further curation. The score for this variant resulted in a classification of likely benign for this disease.

NM_017875.4(SLC25A38):c.*304C>T

Gene: SLC25A38 (solute carrier family 25 member 38; plus strand). Cytogenetic location: 3p22.1.
Variant type: single nucleotide variant.
Coding change: c.*304C>T on transcript NM_017875.4 (MANE Select); 304 bases downstream of the stop codon, C replaced by T.
Molecular consequence: 3 prime UTR variant.
Genome position (GRCh38, 1-based): chr3:39,396,824, C>T. VCF-style: chr3-39396824-C-T. GRCh37 (hg19) VCF-style: chr3-39438315-C-T.
Other names: c.*304C>T (LRG_1133t1); c.*338C>T (NM_001354798.2).
Identifiers: ClinVar variation 345152 (VCV000345152.6), dbSNP rs113251543, ClinGen allele CA10616368.